The following is an entry in ClinVar:

ClinVar aggregate classification (germline): Uncertain significance (1 of 4 stars; one submission).

Conditions:
Developmental and epileptic encephalopathy, 34 (DEE34). Also called: SLC12A5-Related Epilepsy of Infancy with Migrating Focal Seizures; Early infantile epileptic encephalopathy 34. Identifiers: Orphanet 293181, MedGen C4225257, MONDO:0014718, OMIM 616645.

Allele frequency attached by ClinVar (database versions not stated): gnomAD exomes below 0.00001; gnomAD 0.00001; TOPMed 0.00002.
gnomAD v4.1: 8 of 1,611,656 alleles (0.0005%); highest among the groups gnomAD compares: African/African-American, 0.0013%; no homozygotes.

Submission:

Labcorp Genetics (formerly Invitae), Labcorp
Classification: Uncertain significance for Developmental and epileptic encephalopathy, 34. Last evaluated: 2022-09-07. Review status: criteria provided, single submitter. Criteria: Invitae Variant Classification Sherloc (09022015). Collection method: clinical testing. Allele origin: germline.
Comment: In summary, the available evidence is currently insufficient to determine the role of this variant in disease. Therefore, it has been classified as a Variant of Uncertain Significance. Advanced modeling of protein sequence and biophysical properties (such as structural, functional, and spatial information, amino acid conservation, physicochemical variation, residue mobility, and thermodynamic stability) performed at Invitae indicates that this missense variant is expected to disrupt SLC12A5 protein function. This variant has not been reported in the literature in individuals affected with SLC12A5-related conditions. This variant is not present in population databases (gnomAD no frequency). This sequence change replaces alanine, which is neutral and non-polar, with threonine, which is neutral and polar, at codon 455 of the SLC12A5 protein (p.Ala455Thr).

NM_020708.5(SLC12A5):c.1363G>A (p.Ala455Thr)

Gene: SLC12A5 (solute carrier family 12 member 5; plus strand). Cytogenetic location: 20q13.12.
Variant type: single nucleotide variant.
Coding change: c.1363G>A on transcript NM_020708.5 (MANE Select); coding-DNA position 1363, G replaced by A.
Protein change: p.Ala455Thr; replaces alanine 455 with threonine.
Molecular consequence: missense variant.
Genome position (GRCh38, 1-based): chr20:46,043,902, G>A. VCF-style: chr20-46043902-G-A. GRCh37 (hg19) VCF-style: chr20-44672541-G-A.
Other names: c.1432G>A, p.Ala478Thr (NM_001134771.2); short protein forms A455T, A478T.
Identifiers: ClinVar variation 2058765 (VCV002058765.2), dbSNP rs992510978, ClinGen allele CA315636154.
Genomic context (GRCh38, chr20:46,043,902, plus strand): 5'-AACCGTGGGGATTCTCCTTTATCCTCTGCTGCAGACATCAGCTCCGTTGTTCTGTTTGGG[G>A]CCTGCATTGAGGGGGTCGTCCTGCGGGACAAGTAAGATAATTGGGGTTGATCCTATTCTG-3'
Protein context (NP_065759.1, residues 445-465): VYISSVVLFG[Ala455Thr]CIEGVVLRDK